The following is an entry in ClinVar:

NM_006206.6(PDGFRA):c.239T>G (p.Leu80Arg)

Gene: PDGFRA (platelet derived growth factor receptor alpha; plus strand). Cytogenetic location: 4q12.
Variant type: single nucleotide variant.
Coding change: c.239T>G on transcript NM_006206.6 (MANE Select); coding-DNA position 239, T replaced by G.
Protein change: p.Leu80Arg; replaces leucine 80 with arginine.
Molecular consequence: missense variant.
Genome position (GRCh38, 1-based): chr4:54,261,284, T>G. VCF-style: chr4-54261284-T-G. GRCh37 (hg19) VCF-style: chr4-55127451-T-G.
Other names: c.239T>G, p.Leu80Arg (NM_001347827.2, NM_001347829.2); c.314T>G, p.Leu105Arg (NM_001347828.2); c.278T>G, p.Leu93Arg (NM_001347830.2); short protein forms L93R, L80R, L105R.
Identifiers: ClinVar variation 2587728 (VCV002587728.2), dbSNP rs2475422674, ClinGen allele CA356888609.

ClinVar aggregate classification (germline): Uncertain significance (1 of 4 stars; one submission).

Conditions:
Hereditary cancer-predisposing syndrome. Also called: Tumor predisposition; Hereditary Cancer Syndrome; Hereditary neoplastic syndrome; Neoplastic Syndromes, Hereditary. Identifiers: Orphanet 140162, MedGen C0027672, MeSH D009386, MONDO:0015356.

Submission:

Ambry Genetics
Classification: Uncertain significance for Hereditary cancer-predisposing syndrome. Last evaluated: 2023-08-29. Review status: criteria provided, single submitter. Criteria: Ambry Variant Classification Scheme 2023. Collection method: clinical testing. Allele origin: germline.
Comment: The p.L80R variant (also known as c.239T>G), located in coding exon 2 of the PDGFRA gene, results from a T to G substitution at nucleotide position 239. The leucine at codon 80 is replaced by arginine, an amino acid with dissimilar properties. This amino acid position is conserved. In addition, this alteration is predicted to be tolerated by in silico analysis. Since supporting evidence is limited at this time, the clinical significance of this alteration remains unclear.